The following is an entry in ClinVar:

NM_001170535.3(ATAD3A):c.876G>C (p.Thr292=)

Gene: ATAD3A (ATPase family AAA domain containing 3A; plus strand). Cytogenetic location: 1p36.33.
Variant type: single nucleotide variant.
Coding change: c.876G>C on transcript NM_001170535.3 (MANE Select); coding-DNA position 876, G replaced by C.
Protein change: p.Thr292=; no amino-acid change (threonine 292 retained).
Molecular consequence: synonymous variant.
Genome position (GRCh38, 1-based): chr1:1,522,869, G>C. VCF-style: chr1-1522869-G-C. GRCh37 (hg19) VCF-style: chr1-1458249-G-C.
Other names: c.639G>C, p.Thr213= (NM_001170536.3); c.1020G>C, p.Thr340= (NM_018188.5).
Identifiers: ClinVar variation 1879070 (VCV001879070.29), dbSNP rs139221376, ClinGen allele CA526020.

ClinVar aggregate classification (germline): Likely benign (1 of 4 stars; one submission).

gnomAD v4.1: 104 of 1,609,372 alleles (0.0065%); highest among the groups gnomAD compares: African/African-American, 0.12%; 2 homozygotes.

Submission:

CeGaT Center for Human Genetics Tuebingen
Classification: Likely benign. Last evaluated: 2022-10-01. Review status: criteria provided, single submitter. Criteria: CeGaT Center For Human Genetics Tuebingen Variant Classification Criteria Version 2. Collection method: clinical testing. Allele origin: germline. Affected: yes. Observed: 1 variant allele.
Comment: ATAD3A: BP4, BP7